The following is an entry in ClinVar:

NM_002075.4(GNB3):c.146G>A (p.Arg49Gln)

Gene: GNB3 (G protein subunit beta 3; plus strand). Cytogenetic location: 12p13.31.
Variant type: single nucleotide variant.
Coding change: c.146G>A on transcript NM_002075.4 (MANE Select); coding-DNA position 146, G replaced by A.
Protein change: p.Arg49Gln; replaces arginine 49 with glutamine.
Molecular consequence: missense variant.
Genome position (GRCh38, 1-based): chr12:6,843,019, G>A. VCF-style: chr12-6843019-G-A. GRCh37 (hg19) VCF-style: chr12-6952183-G-A.
Other names: c.146G>A, p.Arg49Gln (NM_001297571.2); short protein forms R49Q.
Identifiers: ClinVar variation 943605 (VCV000943605.8), dbSNP rs782393502, ClinGen allele CA6417427.

ClinVar aggregate classification (germline): Uncertain significance. Review status: criteria provided, multiple submitters, no conflicts (2 of 4 stars). 2 submissions from 2 submitters: Uncertain significance (2). Last evaluated 2025-10-09.

Allele frequency attached by ClinVar (database versions not stated): gnomAD exomes 0.00006; ExAC 0.00007; TOPMed 0.00009.
gnomAD v4.1: 173 of 1,569,492 alleles (0.011%); highest among the groups gnomAD compares: East Asian, 0.014%; no homozygotes.

Submissions (2):

Labcorp Genetics (formerly Invitae), Labcorp
Classification: Uncertain significance. Last evaluated: 2025-10-09. Review status: criteria provided, single submitter. Criteria: Invitae Variant Classification Sherloc (09022015). Collection method: clinical testing. Allele origin: germline.
Comment: This sequence change replaces arginine, which is basic and polar, with glutamine, which is neutral and polar, at codon 49 of the GNB3 protein (p.Arg49Gln). The frequency data for this variant in the population databases is considered unreliable, as metrics indicate poor data quality at this position in the gnomAD database. This variant has not been reported in the literature in individuals affected with GNB3-related conditions. ClinVar contains an entry for this variant (Variation ID: 943605). Invitae Evidence Modeling of protein sequence and biophysical properties (such as structural, functional, and spatial information, amino acid conservation, physicochemical variation, residue mobility, and thermodynamic stability) indicates that this missense variant is not expected to disrupt GNB3 protein function with a negative predictive value of 80%. In summary, the available evidence is currently insufficient to determine the role of this variant in disease. Therefore, it has been classified as a Variant of Uncertain Significance.

Blueprint Genetics
Classification: Uncertain significance. Last evaluated: 2023-09-19. Review status: criteria provided, single submitter. Criteria: ACMG Guidelines, 2015. Collection method: clinical testing. Allele origin: germline.